The following is an entry in ClinVar:

NM_000143.4(FH):c.317_318dup (p.Asn107Ter)

Gene: FH (fumarate hydratase; minus strand). Cytogenetic location: 1q43.
Variant type: Duplication.
Coding change: c.317_318dup on transcript NM_000143.4 (MANE Select); coding-DNA positions 317 to 318, 2 bases duplicated (TA; older notation c.317_318dupTA).
Protein change: p.Asn107Ter; replaces asparagine 107 with a stop codon.
Molecular consequence: nonsense.
Genome position (GRCh38, 1-based): chr1:241,513,663-241,513,664, TA duplicated on the plus strand (TA on the coding strand, the reverse complement: FH is on the minus strand). VCF-style (leftmost placement, unchanged base first): chr1-241513662-T-TTA. GRCh37 (hg19) VCF-style: chr1-241676962-T-TTA.
Other names: c.317_318dupTA (NM_000143.3); short protein forms N107*.
Identifiers: ClinVar variation 2757176 (VCV002757176.5), dbSNP rs2527335224, ClinGen allele CA2574470561.

ClinVar aggregate classification (germline): Pathogenic. Review status: criteria provided, multiple submitters, no conflicts (2 of 4 stars). 3 submissions from 3 submitters: Pathogenic (3). Last evaluated 2026-01-08.

Conditions:
Hereditary leiomyomatosis and renal cell cancer. Also called: MULTIPLE CUTANEOUS AND UTERINE LEIOMYOMATA 1, WITH OR WITHOUT RENAL CELL CARCINOMA; LEIOMYOMA, MULTIPLE CUTANEOUS; Reed syndrome; Multiple cutaneous and uterine leiomyomatosis; Cutaneous leiomyomata with uterine leiomyomata; Leiomyoma, hereditary multiple, of skin. Identifiers: Orphanet 523, MedGen C1708350, MONDO:0007888, OMIM 150800, HP:0007437. Disease mechanism: loss of function.
Hereditary cancer-predisposing syndrome. Also called: Neoplastic Syndromes, Hereditary; Tumor predisposition; Hereditary Cancer Syndrome; Hereditary neoplastic syndrome. Identifiers: Orphanet 140162, MedGen C0027672, MeSH D009386, MONDO:0015356.

Submissions (3):

Ambry Genetics
Classification: Pathogenic for Hereditary cancer-predisposing syndrome. Last evaluated: 2026-01-08. Review status: criteria provided, single submitter. Criteria: Ambry Variant Classification Scheme 2023. Collection method: clinical testing. Allele origin: germline.
Comment: The c.317_318dupTA pathogenic mutation, located in coding exon 3 of the FH gene, results from a duplication of TA at nucleotide position 317, causing a translational frameshift with a predicted alternate stop codon (p.N107*). This variant is considered to be rare based on population cohorts in the Genome Aggregation Database (gnomAD). This alteration is expected to result in loss of function by premature protein truncation or nonsense-mediated mRNA decay. As such, this alteration is interpreted as a disease-causing mutation.

Myriad Genetics, Inc.
Classification: Pathogenic for Hereditary leiomyomatosis and renal cell cancer. Last evaluated: 2025-09-02. Review status: criteria provided, single submitter. Criteria: Myriad Autosomal Dominant, Autosomal Recessive and X-Linked Classification Criteria (2023). Collection method: clinical testing. Allele origin: unknown.
Comment: This variant is considered pathogenic. This variant creates a termination codon and is predicted to result in premature protein truncation.

Labcorp Genetics (formerly Invitae), Labcorp
Classification: Pathogenic. Last evaluated: 2023-09-01. Review status: criteria provided, single submitter. Criteria: Invitae Variant Classification Sherloc (09022015). Collection method: clinical testing. Allele origin: germline.
Comment: This sequence change creates a premature translational stop signal (p.Asn107*) in the FH gene. It is expected to result in an absent or disrupted protein product. Loss-of-function variants in FH are known to be pathogenic (PMID: 11865300, 21398687). This variant is not present in population databases (gnomAD no frequency). This variant has not been reported in the literature in individuals affected with FH-related conditions. For these reasons, this variant has been classified as Pathogenic.

Literature cited by the submitters: PubMed 11865300 (cited by Labcorp Genetics (formerly Invitae), Labcorp); PubMed 21398687 (cited by Labcorp Genetics (formerly Invitae), Labcorp).